The following is an entry in ClinVar:

NM_015375.3(DSTYK):c.1028T>G (p.Leu343Trp)

Gene: DSTYK (dual serine/threonine and tyrosine protein kinase; minus strand). Cytogenetic location: 1q32.1.
Variant type: single nucleotide variant.
Coding change: c.1028T>G on transcript NM_015375.3 (MANE Select); coding-DNA position 1028, T replaced by G.
Protein change: p.Leu343Trp; replaces leucine 343 with tryptophan.
Molecular consequence: missense variant.
Genome position (GRCh38, 1-based): chr1:205,169,459, A>C on the plus strand (T>G on the coding strand, the complement: DSTYK is on the minus strand). VCF-style: chr1-205169459-A-C. GRCh37 (hg19) VCF-style: chr1-205138587-A-C.
Other names: c.1028T>G, p.Leu343Trp (NM_199462.3); short protein forms L343W.
Identifiers: ClinVar variation 2817231 (VCV002817231.3), dbSNP rs2526866124, ClinGen allele CA344401209.

ClinVar aggregate classification (germline): Uncertain significance (1 of 4 stars; one submission).

Submission:

Labcorp Genetics (formerly Invitae), Labcorp
Classification: Uncertain significance. Last evaluated: 2022-11-29. Review status: criteria provided, single submitter. Criteria: Invitae Variant Classification Sherloc (09022015). Collection method: clinical testing. Allele origin: germline.
Comment: In summary, the available evidence is currently insufficient to determine the role of this variant in disease. Therefore, it has been classified as a Variant of Uncertain Significance. Algorithms developed to predict the effect of missense changes on protein structure and function (SIFT, PolyPhen-2, Align-GVGD) all suggest that this variant is likely to be disruptive. This variant has not been reported in the literature in individuals affected with DSTYK-related conditions. This variant is not present in population databases (gnomAD no frequency). This sequence change replaces leucine, which is neutral and non-polar, with tryptophan, which is neutral and slightly polar, at codon 343 of the DSTYK protein (p.Leu343Trp).